The following is an entry in ClinVar:

NM_001014437.3(CARS1):c.2241G>A (p.Lys747=)

Gene: CARS1 (cysteinyl-tRNA synthetase 1; minus strand). Cytogenetic location: 11p15.4.
Variant type: single nucleotide variant.
Coding change: c.2241G>A on transcript NM_001014437.3 (MANE Select); coding-DNA position 2241, G replaced by A.
Protein change: p.Lys747=; no amino-acid change (lysine 747 retained).
Molecular consequence: synonymous variant. On other transcripts: non-coding transcript variant (4).
Genome position (GRCh38, 1-based): chr11:3,002,577, C>T on the plus strand (G>A on the coding strand, the complement: CARS1 is on the minus strand). VCF-style: chr11-3002577-C-T. GRCh37 (hg19) VCF-style: chr11-3023807-C-T.
Other names: c.2241G>A, p.Lys747= (NM_001194997.2); c.2031G>A, p.Lys677= (NM_001378136.1); c.1962G>A, p.Lys654= (NM_001378137.1, NM_001378138.1, NM_001378139.1); c.1716G>A, p.Lys572= (NM_001378140.1); c.1992G>A, p.Lys664= (NM_001751.6, NM_139273.4).
Identifiers: ClinVar variation 2641510 (VCV002641510.24), dbSNP rs146317056, ClinGen allele CA5823685.
Genomic context (GRCh38, chr11:3,002,577, plus strand): 5'-TCACCCCCAAACAAAATGCATTACTTCTTGTTCCTGTTTCCTCCGGGCCGCCTCCTCTTT[C>T]TTCTTCCTCTTCTCCTCTTCAACCTGGAGGGTCAATACAGAGCCAGATGAGACAGGGCTG-3'
Protein context (NP_001014437.1, residues 737-757): KRRVEEEKRK[Lys747=]KEEAARRKQE

ClinVar aggregate classification (germline): Likely benign (1 of 4 stars; one submission).

Allele frequency attached by ClinVar (database versions not stated): gnomAD 0.00041; TOPMed 0.00053; ExAC 0.00056; ESP Exome Variant Server 0.00062.
gnomAD v4.1: 1,012 of 1,614,198 alleles (0.063%); highest among the groups gnomAD compares: Middle Eastern, 0.066%; 4 homozygotes.

Submission:

CeGaT Center for Human Genetics Tuebingen
Classification: Likely benign. Last evaluated: 2023-03-01. Review status: criteria provided, single submitter. Criteria: CeGaT Center For Human Genetics Tuebingen Variant Classification Criteria Version 2. Collection method: clinical testing. Allele origin: germline. Affected: yes. Observed: 2 variant alleles.
Comment: CARS1: BP4, BP7